The following is an entry in ClinVar:

ClinVar aggregate classification (germline): Uncertain significance (1 of 4 stars; one submission).

Conditions:
Charcot-Marie-Tooth disease type 4. Also called: Charcot-Marie-Tooth disease, type IV; Charcot-Marie-Tooth, Type 4. Identifiers: Orphanet 64749, MedGen C4082197, MONDO:0018995.

Submission:

Labcorp Genetics (formerly Invitae), Labcorp
Classification: Uncertain significance for Charcot-Marie-Tooth disease type 4. Last evaluated: 2022-04-03. Review status: criteria provided, single submitter. Criteria: Invitae Variant Classification Sherloc (09022015). Collection method: clinical testing. Allele origin: germline.
Comment: In summary, the available evidence is currently insufficient to determine the role of this variant in disease. Therefore, it has been classified as a Variant of Uncertain Significance. Experimental studies and prediction algorithms are not available or were not evaluated, and the functional significance of this variant is currently unknown. This variant has not been reported in the literature in individuals affected with PRX-related conditions. This variant is present in population databases (rs773302174, gnomAD 0.01%). This variant, c.4071_4079del, results in the deletion of 3 amino acid(s) of the PRX protein (p.Glu1359_Glu1361del), but otherwise preserves the integrity of the reading frame.

NM_181882.3(PRX):c.4059GGA[4] (p.Glu1359_Glu1361del)

Gene: PRX (periaxin; minus strand). Cytogenetic location: 19q13.2.
Variant type: Microsatellite.
Coding change: c.4059GGA[4] on transcript NM_181882.3 (MANE Select); four copies in a row of the 3-base unit GGA starting at c.4059; the reference has seven copies in a row; three copies, 9 bases deleted.
Protein change: p.Glu1359_Glu1361del.
Molecular consequence: inframe deletion. On other transcripts: 3 prime UTR variant (1).
Genome position (GRCh38, 1-based): chr19:40,394,273-40,394,281, TCCTCCTCC deleted on the plus strand (GGAGGAGGA on the coding strand, the reverse complement: PRX is on the minus strand); deleting any 9 consecutive bases within chr19:40,394,273-40,394,295 gives the same sequence; the position shown is the placement nearest the transcript's 3' end. VCF-style (leftmost placement, unchanged base first): chr19-40394272-TTCCTCCTCC-T. GRCh37 (hg19) VCF-style: chr19-40900179-TTCCTCCTCC-T.
Other names: c.*4264GGA[4] (NM_020956.2).
Identifiers: ClinVar variation 1346775 (VCV001346775.6), dbSNP rs139624657, ClinGen allele CA9443711.